The following is an entry in ClinVar:

NM_000455.5(STK11):c.1197G>A (p.Gln399=)

Gene: STK11 (serine/threonine kinase 11; plus strand). Cytogenetic location: 19p13.3.
Variant type: single nucleotide variant.
Coding change: c.1197G>A on transcript NM_000455.5 (MANE Select); coding-DNA position 1197, G replaced by A.
Protein change: p.Gln399=; no amino-acid change (glutamine 399 retained).
Molecular consequence: synonymous variant. On other transcripts: non-coding transcript variant (1).
Genome position (GRCh38, 1-based): chr19:1,226,542, G>A. VCF-style: chr19-1226542-G-A. GRCh37 (hg19) VCF-style: chr19-1226541-G-A.
Identifiers: ClinVar variation 3903670 (VCV003903670.1).
Genomic context (GRCh38, chr19:1,226,542, plus strand): 5'-CAATGGACAGCGCCGGGGCCTCCCCAAGGCCGTGTGTATGAACGGCACAGAGGCGGCGCA[G>A]CTGAGCACCAAATCCAGGGCGGAGGGCCGGGCCCCCAACCCTGCCCGCAAGGCCTGCTCC-3'
Protein context (NP_000446.1, residues 389-409): AVCMNGTEAA[Gln399=]LSTKSRAEGR

ClinVar aggregate classification (germline): Benign (1 of 4 stars; one submission).

Conditions:
Peutz-Jeghers syndrome (PJS). Also called: POLYPOSIS, HAMARTOMATOUS INTESTINAL; POLYPS-AND-SPOTS SYNDROME; Peutz-Jeghers polyposis; Periorificial lentiginosis syndrome. Identifiers: Orphanet 2869, MedGen C0031269, MeSH D010580, MONDO:0008280, OMIM 175200.

gnomAD v4.1: 1 of 1,605,002 alleles (0.000062%); highest among the groups gnomAD compares: South Asian, 0.0011%; no homozygotes.

Submission:

Myriad Genetics, Inc.
Classification: Benign for Peutz-Jeghers syndrome. Last evaluated: 2025-03-28. Review status: criteria provided, single submitter. Criteria: Myriad Autosomal Dominant, Autosomal Recessive and X-Linked Classification Criteria (2023). Collection method: clinical testing. Allele origin: unknown.
Comment: This variant is considered benign. This variant is a silent/synonymous amino acid change and it is not expected to impact splicing.